The following is an entry in ClinVar:

NM_005159.5(ACTC1):c.52C>A (p.Leu18Met)

Genes: ACTC1 (actin alpha cardiac muscle 1; minus strand), GJD2-DT (GJD2 divergent transcript; plus strand). Cytogenetic location: 15q14.
Variant type: single nucleotide variant.
Coding change: c.52C>A on transcript NM_005159.5 (MANE Select); coding-DNA position 52, C replaced by A.
Protein change: p.Leu18Met; replaces leucine 18 with methionine.
Molecular consequence: missense variant.
Genome position (GRCh38, 1-based): chr15:34,794,757, G>T on the plus strand (C>A on the coding strand, the complement: ACTC1 is on the minus strand). VCF-style: chr15-34794757-G-T. GRCh37 (hg19) VCF-style: chr15-35086958-G-T.
Other names: c.52C>A, p.Leu18Met (NM_001406482.1, NM_001406483.1); short protein forms L18M.
Identifiers: ClinVar variation 2107634 (VCV002107634.4), dbSNP rs2504185604, ClinGen allele CA391633318.
Genomic context (GRCh38, chr15:34,794,757, plus strand): 5'-CCACGATGGACGGGAAGACAGCGCGGGGCGCGTCATCGCCCGCAAAGCCGGCCTTCACCA[G>T]CCCAGAGCCGTTGTCGCACACCAGGGCGGTGGTCTCCTCGTCGTCACACATCTTGGCACA-3'
Protein context (NP_005150.1, residues 8-28): TALVCDNGSG[Leu18Met]VKAGFAGDDA

ClinVar aggregate classification (germline): Uncertain significance (1 of 4 stars; one submission).

Conditions:
Atrial septal defect 5 (ASD5). Identifiers: Orphanet 1478, MedGen C2748552, MONDO:0013011, OMIM 612794.
Hypertrophic cardiomyopathy 11. Also called: ACTC1-Related Familial Hypertrophic Cardiomyopathy. Identifiers: MedGen C2677506, MONDO:0012799, OMIM 612098.
Dilated cardiomyopathy 1R (CMD1R). Identifiers: Orphanet 154, Orphanet 54260, MedGen C3150681, MONDO:0013261, OMIM 613424.

Submission:

Labcorp Genetics (formerly Invitae), Labcorp
Classification: Uncertain significance for Dilated cardiomyopathy 1R; Hypertrophic cardiomyopathy 11; Atrial septal defect 5. Last evaluated: 2022-03-08. Review status: criteria provided, single submitter. Criteria: Invitae Variant Classification Sherloc (09022015). Collection method: clinical testing. Allele origin: germline.
Comment: This sequence change replaces leucine, which is neutral and non-polar, with methionine, which is neutral and non-polar, at codon 18 of the ACTC1 protein (p.Leu18Met). This variant is not present in population databases (gnomAD no frequency). This variant has not been reported in the literature in individuals affected with ACTC1-related conditions. Algorithms developed to predict the effect of missense changes on protein structure and function (SIFT, PolyPhen-2, Align-GVGD) all suggest that this variant is likely to be tolerated. In summary, the available evidence is currently insufficient to determine the role of this variant in disease. Therefore, it has been classified as a Variant of Uncertain Significance.